The following is an entry in ClinVar:

ClinVar aggregate classification (germline): Likely benign (1 of 4 stars; one submission).

Submission:

CeGaT Center for Human Genetics Tuebingen
Classification: Likely benign. Last evaluated: 2023-04-01. Review status: criteria provided, single submitter. Criteria: CeGaT Center For Human Genetics Tuebingen Variant Classification Criteria Version 2. Collection method: clinical testing. Allele origin: germline. Affected: yes. Observed: 1 variant allele.
Comment: NSD1: PM2:Supporting, BP4, BP7

NM_022455.5(NSD1):c.1089G>A (p.Gln363=)

Gene: NSD1 (nuclear receptor binding SET domain protein 1; plus strand). Cytogenetic location: 5q35.3.
Variant type: single nucleotide variant.
Coding change: c.1089G>A on transcript NM_022455.5 (MANE Select); coding-DNA position 1089, G replaced by A.
Protein change: p.Gln363=; no amino-acid change (glutamine 363 retained).
Molecular consequence: synonymous variant.
Genome position (GRCh38, 1-based): chr5:177,204,145, G>A. VCF-style: chr5-177204145-G-A. GRCh37 (hg19) VCF-style: chr5-176631146-G-A.
Other names: c.216G>A, p.Gln72= (NM_001365684.2, NM_001409306.1, NM_001409307.1 and 3 more transcripts); c.1089G>A, p.Gln363= (NM_001409301.1, NM_001409302.1, NM_001409303.1); c.669G>A, p.Gln223= (NM_001409304.1); c.336G>A, p.Gln112= (NM_001409305.1).
Identifiers: ClinVar variation 2656100 (VCV002656100.24), dbSNP rs2149836131, ClinGen allele CA447724083.